The following is an entry in ClinVar:

NM_000238.4(KCNH2):c.1591_1617del (p.Arg531_Leu539del)

Gene: KCNH2 (potassium voltage-gated channel subfamily H member 2; minus strand). Cytogenetic location: 7q36.1.
Variant type: Deletion.
Coding change: c.1591_1617del on transcript NM_000238.4 (MANE Select); coding-DNA positions 1591 to 1617, 27 bases deleted (CGGCTGGTGCGCGTGGCGCGGAAGCTG).
Protein change: p.Arg531_Leu539del.
Molecular consequence: inframe indel (on NM_000238.3). On other transcripts: non-coding transcript variant (2).
Genome position (GRCh38, 1-based): chr7:150,951,776-150,951,802, CAGCTTCCGCGCCACGCGCACCAGCCG deleted on the plus strand (CGGCTGGTGCGCGTGGCGCGGAAGCTG on the coding strand, the reverse complement: KCNH2 is on the minus strand); deleting any 27 consecutive bases within chr7:150,951,776-150,951,806 gives the same sequence; the c. name uses the placement nearest the transcript's 3' end. VCF-style (leftmost placement, unchanged base first): chr7-150951775-CCAGCTTCCGCGCCACGCGCACCAGCCG-C. GRCh37 (hg19) VCF-style: chr7-150648863-CCAGCTTCCGCGCCACGCGCACCAGCCG-C.
Other names: c.1587_1613del27, p.Arg531_Leu539del (NM_000238.3); c.571_597del, p.Arg191_Leu199del (NM_001204798.2, NM_172057.3); c.1303_1329del, p.Arg435_Leu443del (NM_001406753.1, NM_001406756.1); c.1414_1440del, p.Arg472_Leu480del (NM_001406755.1); c.1291_1317del, p.Arg431_Leu439del (NM_001406757.1); c.1591_1617del, p.Arg531_Leu539del (NM_172056.3).
Identifiers: ClinVar variation 3338329 (VCV003338329.1).
Genomic context (GRCh38, chr7:150,951,775, plus strand): 5'-TGAGCGCAAAGGTGCACATGAGCAAGAACAGCACGGCCGCGCCGTACTCTGAGTAGCGAT[CCAGCTTCCGCGCCACGCGCACCAGCCG>C]CAGCAGCCGCGCAGTCTTCAGCAGCCCGATCAGCTGGGGGACAGGGAAGGGGCACATTCC-3'

ClinVar aggregate classification (germline): Uncertain significance (1 of 4 stars; one submission).

Conditions:
Long QT syndrome (LQTS). Identifiers: MedGen C0023976, MeSH D008133, MONDO:0002442. Disease mechanism: loss of function. Inheritance: Various modes of inheritance.

Submission:

Lildballe Lab, Aarhus University Hospital
Classification: Uncertain significance for Long QT syndrome. Last evaluated: 2024-03-01. Review status: criteria provided, single submitter. Criteria: ACMG Guidelines, 2015. Collection method: research. Allele origin: germline. Affected: yes.
Comment: PM2(sup), PM1(m), BP3(sup)

Literature cited by the submitters: PubMed 25741884; PubMed 39481677.